The following is an entry in ClinVar:

NM_000210.4(ITGA6):c.*1135T>C

Genes: ITGA6 (integrin subunit alpha 6; plus strand), PDK1-AS1 (PDK1 and ITGA6 antisense RNA 1; minus strand). Cytogenetic location: 2q31.1.
Variant type: single nucleotide variant.
Coding change: c.*1135T>C on transcript NM_000210.4 (MANE Select); 1135 bases downstream of the stop codon, T replaced by C.
Molecular consequence: 3 prime UTR variant.
Genome position (GRCh38, 1-based): chr2:172,505,203, T>C. VCF-style: chr2-172505203-T-C. GRCh37 (hg19) VCF-style: chr2-173369931-T-C.
Other names: c.*951T>C (NM_001079818.3, NM_001365529.2); c.*1135T>C (NM_001316306.2, NM_001365530.2).
Identifiers: ClinVar variation 893424 (VCV000893424.4), dbSNP rs144685011, ClinGen allele CA60697374.

ClinVar aggregate classification (germline): Likely benign (1 of 4 stars; one submission).

Conditions:
Junctional epidermolysis bullosa with pyloric atresia. Also called: APLASIA CUTIS CONGENITA WITH GASTROINTESTINAL ATRESIA; CARMI SYNDROME; EB-PA-ACC; EPIDERMOLYSIS BULLOSA, JUNCTIONAL 5B, WITH PYLORIC ATRESIA; ITGB4-Related Epidermolysis Bullosa with Pyloric Atresia; ITGA6-Related Epidermolysis Bullosa with Pyloric Atresia. Identifiers: Orphanet 79403, MedGen C5676875, MONDO:0009183, OMIM 226730.

Allele frequency attached by ClinVar (database versions not stated): 1000 Genomes Project 30x 0.00187; 1000 Genomes Project 0.00200; gnomAD 0.00222 and 0.00239; TOPMed 0.00246.

Submission:

Illumina Laboratory Services, Illumina
Classification: Likely benign for Junctional epidermolysis bullosa with pyloric atresia. Last evaluated: 2018-01-13. Review status: criteria provided, single submitter. Criteria: ICSL Variant Classification Criteria 13 December 2019. Collection method: clinical testing. Allele origin: germline.
Comment: This variant was observed in the ICSL laboratory as part of a predisposition screen in an ostensibly healthy population. It had not been previously curated by ICSL or reported in the Human Gene Mutation Database (HGMD: prior to June 1st, 2018), and was therefore a candidate for classification through an automated scoring system. Utilizing variant allele frequency, disease prevalence and penetrance estimates, and inheritance mode, an automated score was calculated to assess if this variant is too frequent to cause the disease. Based on the score and internal cut-off values, a variant classified as likely benign is not then subjected to further curation. The score for this variant resulted in a classification of likely benign for this disease.